The following is an entry in ClinVar:

NM_000836.4(GRIN2D):c.99G>C (p.Pro33=)

Gene: GRIN2D (glutamate ionotropic receptor NMDA type subunit 2D; plus strand). Cytogenetic location: 19q13.33.
Variant type: single nucleotide variant.
Coding change: c.99G>C on transcript NM_000836.4 (MANE Select); coding-DNA position 99, G replaced by C.
Protein change: p.Pro33=; no amino-acid change (proline 33 retained).
Molecular consequence: synonymous variant.
Genome position (GRCh38, 1-based): chr19:48,398,491, G>C. VCF-style: chr19-48398491-G-C. GRCh37 (hg19) VCF-style: chr19-48901748-G-C.
Other names: c.99G>C (NM_000836.2).
Identifiers: ClinVar variation 2032174 (VCV002032174.5), dbSNP rs1361618111, ClinGen allele CA508037447.
Genomic context (GRCh38, chr19:48,398,491, plus strand): 5'-CGCTAAGATGCTGCTGCTGCTGGCGCTGGCCTGCGCCAGCCCGTTCCCGGAGGAGGCGCC[G>C]GGGCCGGGCGGGGCCGGTGGGCCCGGCGGCGGCCTCGGCGGGGCGCGGCCGCTCAACGTG-3'
Protein context (NP_000827.2, residues 23-43): ACASPFPEEA[Pro33=]GPGGAGGPGG

ClinVar aggregate classification (germline): Likely benign. Review status: criteria provided, single submitter (1 of 4 stars). 2 submissions from 2 submitters: Likely benign (1). 1 of the submissions does not count toward it. Last evaluated 2022-09-30.

Conditions:
GRIN2D-related disorder. Also called: GRIN2D-related condition.

Submissions (2):

Labcorp Genetics (formerly Invitae), Labcorp
Classification: Likely benign. Last evaluated: 2022-09-30. Review status: criteria provided, single submitter. Criteria: Invitae Variant Classification Sherloc (09022015). Collection method: clinical testing. Allele origin: germline.

PreventionGenetics, part of Exact Sciences
Classification: Likely benign for GRIN2D-related condition. Last evaluated: 2024-07-12. Review status: no assertion criteria provided. Collection method: clinical testing. Allele origin: germline. Not counted in ClinVar's aggregate classification.
Comment: This variant is classified as likely benign based on ACMG/AMP sequence variant interpretation guidelines (Richards et al. 2015 PMID: 25741868, with internal and published modifications).